The following is an entry in ClinVar:

ClinVar aggregate classification (germline): Uncertain significance (1 of 4 stars; one submission).

Submission:

GeneDx
Classification: Uncertain significance. Last evaluated: 2024-09-20. Review status: criteria provided, single submitter. Criteria: GeneDx Variant Classification Process June 2021. Collection method: clinical testing. Allele origin: germline. Affected: yes.
Comment: Not observed at significant frequency in large population cohorts (gnomAD); In silico analysis indicates that this missense variant does not alter protein structure/function; Has not been previously published as pathogenic or benign to our knowledge

NM_002235.5(KCNA6):c.373C>A (p.Gln125Lys)

Genes: KCNA6 (potassium voltage-gated channel subfamily A member 6; plus strand), KCNA6-AS1 (KCNA6 antisense RNA 1; minus strand). Cytogenetic location: 12p13.32.
Variant type: single nucleotide variant.
Coding change: c.373C>A on transcript NM_002235.5 (MANE Select); coding-DNA position 373, C replaced by A.
Protein change: p.Gln125Lys; replaces glutamine 125 with lysine.
Molecular consequence: missense variant. On other transcripts: non-coding transcript variant (3).
Genome position (GRCh38, 1-based): chr12:4,810,414, C>A. VCF-style: chr12-4810414-C-A. GRCh37 (hg19) VCF-style: chr12-4919580-C-A.
Other names: short protein forms Q125K.
Identifiers: ClinVar variation 3774232 (VCV003774232.1).